The following is an entry in ClinVar:

ClinVar aggregate classification (germline): Uncertain significance. Review status: criteria provided, multiple submitters, no conflicts (2 of 4 stars). 2 submissions from 2 submitters: Uncertain significance (2). Last evaluated 2025-09-06.

Conditions:
Dyskeratosis congenita, autosomal recessive 5 (DKCB5). Identifiers: MedGen C3554656, MONDO:0014076, OMIM 615190.
Pulmonary fibrosis and/or bone marrow failure, Telomere-related, 3. Also called: PULMONARY FIBROSIS AND/OR BONE MARROW FAILURE SYNDROME, TELOMERE-RELATED, 3. Identifiers: Orphanet 2032, MedGen C4225346, MONDO:0014613, OMIM 616373.
Inborn genetic diseases. Identifiers: MedGen C0950123, MeSH D030342.

Allele frequency attached by ClinVar (database versions not stated): TOPMed 0.00002; ExAC 0.00003; 1000 Genomes Project 0.00020; gnomAD exomes 0.00001; gnomAD 0.00003; 1000 Genomes Project 30x 0.00031.
gnomAD v4.1: 60 of 1,612,608 alleles (0.0037%); highest among the groups gnomAD compares: Non-Finnish European, 0.0048%; no homozygotes.

Submissions (2):

Labcorp Genetics (formerly Invitae), Labcorp
Classification: Uncertain significance for Dyskeratosis congenita, autosomal recessive 5; Pulmonary fibrosis and/or bone marrow failure, Telomere-related, 3. Last evaluated: 2025-09-06. Review status: criteria provided, single submitter. Criteria: Invitae Variant Classification Sherloc (09022015). Collection method: clinical testing. Allele origin: germline.
Comment: This sequence change replaces leucine, which is neutral and non-polar, with phenylalanine, which is neutral and non-polar, at codon 898 of the RTEL1 protein (p.Leu898Phe). This variant is present in population databases (rs555482478, gnomAD 0.006%). This variant has not been reported in the literature in individuals affected with RTEL1-related conditions. ClinVar contains an entry for this variant (Variation ID: 1008329). An algorithm developed to predict the effect of missense changes on protein structure and function (PolyPhen-2) suggests that this variant is likely to be tolerated. In summary, the available evidence is currently insufficient to determine the role of this variant in disease. Therefore, it has been classified as a Variant of Uncertain Significance.

Ambry Genetics
Classification: Uncertain significance for Inborn genetic diseases. Last evaluated: 2024-11-20. Review status: criteria provided, single submitter. Criteria: Ambry Variant Classification Scheme 2023. Collection method: clinical testing. Allele origin: germline.
Comment: The p.L898F variant (also known as c.2692C>T), located in coding exon 28 of the RTEL1 gene, results from a C to T substitution at nucleotide position 2692. The leucine at codon 898 is replaced by phenylalanine, an amino acid with highly similar properties. This amino acid position is conserved. In addition, this alteration is predicted to be tolerated by in silico analysis. Based on the available evidence, the clinical significance of this variant remains unclear.

NM_001283009.2(RTEL1):c.2692C>T (p.Leu898Phe)

Genes: RTEL1 (regulator of telomere elongation helicase 1; plus strand), RTEL1-TNFRSF6B (RTEL1-TNFRSF6B readthrough (NMD candidate); plus strand). Cytogenetic location: 20q13.33.
Variant type: single nucleotide variant.
Coding change: c.2692C>T on transcript NM_001283009.2 (MANE Select); coding-DNA position 2692, C replaced by T.
Protein change: p.Leu898Phe; replaces leucine 898 with phenylalanine.
Molecular consequence: missense variant. On other transcripts: non-coding transcript variant (1).
Genome position (GRCh38, 1-based): chr20:63,692,844, C>T. VCF-style: chr20-63692844-C-T. GRCh37 (hg19) VCF-style: chr20-62324197-C-T.
Other names: c.2023C>T, p.Leu675Phe (NM_001283010.1); c.2692C>T, p.Leu898Phe (NM_016434.4); c.2764C>T, p.Leu922Phe (NM_032957.5); short protein forms L675F, L898F, L922F.
Identifiers: ClinVar variation 1008329 (VCV001008329.9), dbSNP rs555482478, ClinGen allele CA9965502.